The following is an entry in ClinVar:

ClinVar aggregate classification (germline): Likely benign. Review status: criteria provided, multiple submitters, no conflicts (2 of 4 stars). 2 submissions from 2 submitters: Likely benign (2). Last evaluated 2025-04-11.

Conditions:
Pyruvate dehydrogenase E1-beta deficiency (PDHBD). Identifiers: Orphanet 255138, Orphanet 765, MedGen C3279841, MONDO:0013580, OMIM 614111.

Allele frequency attached by ClinVar (database versions not stated): TOPMed 0.00005; gnomAD 0.00006 and 0.00007; ExAC 0.00013; gnomAD exomes 0.00015; 1000 Genomes Project 30x 0.00047; 1000 Genomes Project 0.00060.

Submissions (2):

Labcorp Genetics (formerly Invitae), Labcorp
Classification: Likely benign for Pyruvate dehydrogenase E1-beta deficiency. Last evaluated: 2025-04-11. Review status: criteria provided, single submitter. Criteria: Invitae Variant Classification Sherloc (09022015). Collection method: clinical testing. Allele origin: germline.

GeneDx
Classification: Likely benign. Last evaluated: 2014-12-03. Review status: criteria provided, single submitter. Criteria: GeneDx Variant Classification (06012015). Collection method: clinical testing. Allele origin: germline. Affected: yes.
Comment: This variant is considered likely benign or benign based on one or more of the following criteria: it is a conservative change, it occurs at a poorly conserved position in the protein, it is predicted to be benign by multiple in silico algorithms, and/or has population frequency not consistent with disease.

NM_000925.4(PDHB):c.8C>T (p.Ala3Val)

Genes: PDHB (pyruvate dehydrogenase E1 subunit beta; minus strand), LOC129936949 (ATAC-STARR-seq lymphoblastoid active region 20012; plus strand). Cytogenetic location: 3p14.3.
Variant type: single nucleotide variant.
Coding change: c.8C>T on transcript NM_000925.4 (MANE Select); coding-DNA position 8, C replaced by T.
Protein change: p.Ala3Val; replaces alanine 3 with valine.
Molecular consequence: missense variant. On other transcripts: non-coding transcript variant (1).
Genome position (GRCh38, 1-based): chr3:58,433,802, G>A on the plus strand (C>T on the coding strand, the complement: PDHB is on the minus strand). VCF-style: chr3-58433802-G-A. GRCh37 (hg19) VCF-style: chr3-58419529-G-A.
Other names: c.8C>T, p.Ala3Val (NM_001173468.2, NM_001315536.2); short protein forms A3V.
Identifiers: ClinVar variation 214950 (VCV000214950.11), dbSNP rs536872599, ClinGen allele CA320795.